The following is an entry in ClinVar:

ClinVar aggregate classification (germline): Uncertain significance (1 of 4 stars; one submission).

Submission:

Labcorp Genetics (formerly Invitae), Labcorp
Classification: Uncertain significance. Last evaluated: 2024-04-23. Review status: criteria provided, single submitter. Criteria: Invitae Variant Classification Sherloc (09022015). Collection method: clinical testing. Allele origin: germline.
Comment: This sequence change replaces cysteine, which is neutral and slightly polar, with arginine, which is basic and polar, at codon 398 of the HPS3 protein (p.Cys398Arg). This variant is not present in population databases (gnomAD no frequency). This variant has not been reported in the literature in individuals affected with HPS3-related conditions. Advanced modeling of protein sequence and biophysical properties (such as structural, functional, and spatial information, amino acid conservation, physicochemical variation, residue mobility, and thermodynamic stability) performed at Invitae indicates that this missense variant is expected to disrupt HPS3 protein function with a positive predictive value of 80%. In summary, the available evidence is currently insufficient to determine the role of this variant in disease. Therefore, it has been classified as a Variant of Uncertain Significance.

NM_032383.5(HPS3):c.1192T>C (p.Cys398Arg)

Gene: HPS3 (HPS3 biogenesis of lysosomal organelles complex 2 subunit 1; plus strand). Cytogenetic location: 3q24.
Variant type: single nucleotide variant.
Coding change: c.1192T>C on transcript NM_032383.5 (MANE Select); coding-DNA position 1192, T replaced by C.
Protein change: p.Cys398Arg; replaces cysteine 398 with arginine.
Molecular consequence: missense variant.
Genome position (GRCh38, 1-based): chr3:149,150,627, T>C. VCF-style: chr3-149150627-T-C. GRCh37 (hg19) VCF-style: chr3-148868414-T-C.
Other names: c.697T>C, p.Cys233Arg (NM_001308258.2); short protein forms C398R, C233R.
Identifiers: ClinVar variation 3684153 (VCV003684153.2).